The following is an entry in ClinVar:

NM_000053.4(ATP7B):c.3589G>A (p.Ala1197Thr)

Gene: ATP7B (ATPase copper transporting beta; minus strand). Cytogenetic location: 13q14.3.
Variant type: single nucleotide variant.
Coding change: c.3589G>A on transcript NM_000053.4 (MANE Select); coding-DNA position 3589, G replaced by A.
Protein change: p.Ala1197Thr; replaces alanine 1197 with threonine.
Molecular consequence: missense variant.
Genome position (GRCh38, 1-based): chr13:51,939,161, C>T on the plus strand (G>A on the coding strand, the complement: ATP7B is on the minus strand). VCF-style: chr13-51939161-C-T. GRCh37 (hg19) VCF-style: chr13-52513297-C-T.
Other names: p.Ala1197Thr; c.2968G>A, p.Ala990Thr (NM_001005918.3); c.3256G>A, p.Ala1086Thr (NM_001243182.2); c.3355G>A, p.Ala1119Thr (NM_001330578.2); c.3337G>A, p.Ala1113Thr (NM_001330579.2); short protein forms A1197T, A1119T, A1086T, A1113T, A990T.
Identifiers: ClinVar variation 555617 (VCV000555617.17), dbSNP rs758025913, ClinGen allele CA6988627.
Genomic context (GRCh38, chr13:51,939,161, plus strand): 5'-CCACGTCCACACCCATGCTCTGCAGCGTGTGCACAGCCAGGGCAGCCTCCTGCTTGACAG[C>T]GTCTGCGATTGCGATCATCCCACAGAGCACACCTGGAGCGAACCAGCCAGCATCAGCAGC-3'
Protein context (NP_000044.2, residues 1187-1207): VLCGMIAIAD[Ala1197Thr]VKQEAALAVH

ClinVar aggregate classification (germline): Uncertain significance. Review status: criteria provided, multiple submitters, no conflicts (2 of 4 stars). 11 submissions from 11 submitters: Uncertain significance (10). 1 of the submissions does not count toward it. Last evaluated 2026-09-21.

Conditions:
Wilson disease (WND). Also called: Wilson's disease. Identifiers: Orphanet 905, MedGen C0019202, MONDO:0010200, OMIM 277900. Disease mechanism: loss of function.
ATP7B-related disorder. Also called: ATP7B-related condition.

Allele frequency attached by ClinVar (database versions not stated): gnomAD 0.00003; TOPMed 0.00004.
gnomAD v4.1: 31 of 1,613,934 alleles (0.0019%); highest among the groups gnomAD compares: African/African-American, 0.008%; no homozygotes.

Submissions (11):

PreventionGenetics, part of Exact Sciences
Classification: Uncertain significance for ATP7B-related condition. Last evaluated: 2026-09-21. Review status: criteria provided, single submitter. Criteria: ACMG Guidelines, 2015. Collection method: clinical testing. Allele origin: germline.
Comment: The ATP7B c.3589G>A variant is predicted to result in the amino acid substitution p.Ala1197Thr. To our knowledge, this variant has not been reported in the literature. This variant is reported in 0.012% of alleles in individuals of African descent in gnomAD. At this time, the clinical significance of this variant is uncertain due to the absence of conclusive functional and genetic evidence.

ARUP Laboratories, Molecular Genetics and Genomics, ARUP Laboratories
Classification: Uncertain significance for Wilson disease. Last evaluated: 2025-01-23. Review status: criteria provided, single submitter. Criteria: ARUP Molecular Germline Variant Investigation Process 2024. Collection method: clinical testing. Allele origin: germline.
Comment: The ATP7B c.3589G>A; p.Ala1197Thr variant (rs758025913), to our knowledge, is not reported in the medical literature but is reported in ClinVar (Variation ID: 555617). This variant is found in the general population with an overall allele frequency of 0.002% (6/280736 alleles) in the Genome Aggregation Database. The alanine at codon 1197 is weakly conserved, but computational analyses are uncertain whether this variant is neutral or deleterious (REVEL: 0.554). Given the lack of clinical and functional data, the significance of the p.Ala1197Thr variant is uncertain at this time.

Blueprint Genetics
Classification: Uncertain significance. Last evaluated: 2024-10-03. Review status: criteria provided, single submitter. Criteria: ACMG Guidelines, 2015. Collection method: clinical testing. Allele origin: germline.

All of Us Research Program, National Institutes of Health
Classification: Uncertain significance for Wilson disease. Last evaluated: 2024-09-02. Review status: criteria provided, single submitter. Criteria: ACMG Guidelines, 2015. Collection method: clinical testing. Allele origin: germline. Inheritance: Autosomal recessive inheritance. Observed: 11 variant alleles, 11 heterozygotes.
Comment: This missense variant replaces alanine with threonine at codon 1197 of the ATP7B protein. Computational prediction is inconclusive regarding the impact of this variant on protein structure and function (internally defined REVEL score threshold 0.5 < inconclusive < 0.7, PMID: 27666373). To our knowledge, functional studies have not been reported for this variant. This variant has not been reported in individuals affected with ATP7B-related disorders in the literature. This variant has been identified in 6/280736 chromosomes in the general population by the Genome Aggregation Database (gnomAD). The available evidence is insufficient to determine the role of this variant in disease conclusively. Therefore, this variant is classified as a Variant of Uncertain Significance.

This study involves interpretation of variants in research participants for the purpose of population health screening. Participant phenotype was not available at the time of variant classification. Additional details can be found in publication PMID: 35346344, PMCID: PMC8962531

Fulgent Genetics
Classification: Uncertain significance for Wilson disease. Last evaluated: 2024-02-13. Review status: criteria provided, single submitter. Criteria: ACMG Guidelines, 2015. Collection method: clinical testing. Allele origin: germline.

Color Diagnostics, LLC DBA Color Health
Classification: Uncertain significance for Wilson disease. Last evaluated: 2023-03-08. Review status: criteria provided, single submitter. Criteria: ACMG Guidelines, 2015. Collection method: clinical testing. Allele origin: germline.
Comment: This missense variant replaces alanine with threonine at codon 1197 of the ATP7B protein. Computational prediction is inconclusive regarding the impact of this variant on protein structure and function. To our knowledge, functional studies have not been reported for this variant. This variant has not been reported in individuals affected with ATP7B-related disorders in the literature. This variant has been identified in 6/280736 chromosomes in the general population by the Genome Aggregation Database (gnomAD). The available evidence is insufficient to determine the role of this variant in disease conclusively. Therefore, this variant is classified as a Variant of Uncertain Significance.

Mayo Clinic Laboratories, Mayo Clinic
Classification: Uncertain significance. Last evaluated: 2022-11-04. Review status: criteria provided, single submitter. Criteria: ACMG Guidelines, 2015. Collection method: clinical testing. Allele origin: germline. Observed: 2 variant alleles.
Comment: PM2

Labcorp Genetics (formerly Invitae), Labcorp
Classification: Uncertain significance for Wilson disease. Last evaluated: 2022-05-21. Review status: criteria provided, single submitter. Criteria: Invitae Variant Classification Sherloc (09022015). Collection method: clinical testing. Allele origin: germline.
Comment: This sequence change replaces alanine, which is neutral and non-polar, with threonine, which is neutral and polar, at codon 1197 of the ATP7B protein (p.Ala1197Thr). This variant is present in population databases (rs758025913, gnomAD 0.01%). This missense change has been observed in individual(s) with Wilson disease (PMID: 23235335). ClinVar contains an entry for this variant (Variation ID: 555617). Advanced modeling of protein sequence and biophysical properties (such as structural, functional, and spatial information, amino acid conservation, physicochemical variation, residue mobility, and thermodynamic stability) performed at Invitae indicates that this missense variant is not expected to disrupt ATP7B protein function. In summary, the available evidence is currently insufficient to determine the role of this variant in disease. Therefore, it has been classified as a Variant of Uncertain Significance.

GeneDx
Classification: Uncertain significance. Last evaluated: 2021-12-29. Review status: criteria provided, single submitter. Criteria: GeneDx Variant Classification Process June 2021. Collection method: clinical testing. Allele origin: germline. Affected: yes.
Comment: Not observed at significant frequency in large population cohorts (Lek et al., 2016); In silico analysis supports that this missense variant does not alter protein structure/function; This variant is associated with the following publications: (PMID: 23235335)

Neuberg Centre For Genomic Medicine, NCGM
Classification: Uncertain significance for Wilson disease. Review status: criteria provided, single submitter. Criteria: ACMG Guidelines, 2015. Collection method: clinical testing. Allele origin: germline. Inheritance: Autosomal recessive inheritance. Affected: yes.
Comment: The missense variant p.A1197T in ATP7B (NM_000053.4) has not been reported previously as a pathogenic variant nor as a benign variant, to our knowledge. The p.A1197T variant is observed in 3/15,506 (0.0193%) alleles from individuals of African background in gnomAD Exomes and is novel (not in any individuals) in 1000 Genomes.The p.A1197T missense variant is predicted to be tolerated by both SIFT or PolyPhen2. The nucleotide c.3589 in ATP7B is not conserved according to a GERP++ and PhyloP analysis of 100 vertebrates. For these reasons, this variant has been classified as Uncertain Significance.

Counsyl
Classification: Uncertain significance for Wilson disease. Last evaluated: 2017-12-14. Review status: no assertion criteria provided. Collection method: clinical testing. Allele origin: unknown. Not counted in ClinVar's aggregate classification.

Literature cited by the submitters: PubMed 23235335 (cited by Mayo Clinic Laboratories, Mayo Clinic and Labcorp Genetics (formerly Invitae), Labcorp).